The following is an entry in ClinVar:

ClinVar aggregate classification (germline): Uncertain significance (1 of 4 stars; one submission).

Conditions:
Infantile-onset ascending hereditary spastic paralysis (IAHSP). Also called: Infantile-Onset Ascending Hereditary Spastic Paralysis (IAHSP); Autosomal Recessive Juvenile Amyotrophic Lateral Sclerosis. Identifiers: Orphanet 293168, MedGen C2931441, MONDO:0011797, OMIM 607225. Disease mechanism: loss of function.

Submission:

Labcorp Genetics (formerly Invitae), Labcorp
Classification: Uncertain significance for Infantile-onset ascending hereditary spastic paralysis. Last evaluated: 2024-10-22. Review status: criteria provided, single submitter. Criteria: Invitae Variant Classification Sherloc (09022015). Collection method: clinical testing. Allele origin: germline.
Comment: This sequence change replaces serine, which is neutral and polar, with glycine, which is neutral and non-polar, at codon 607 of the ALS2 protein (p.Ser607Gly). This variant is not present in population databases (gnomAD no frequency). This variant has not been reported in the literature in individuals affected with ALS2-related conditions. Invitae Evidence Modeling of protein sequence and biophysical properties (such as structural, functional, and spatial information, amino acid conservation, physicochemical variation, residue mobility, and thermodynamic stability) indicates that this missense variant is not expected to disrupt ALS2 protein function with a negative predictive value of 80%. Algorithms developed to predict the effect of sequence changes on RNA splicing suggest that this variant may disrupt the consensus splice site. In summary, the available evidence is currently insufficient to determine the role of this variant in disease. Therefore, it has been classified as a Variant of Uncertain Significance.

NM_020919.4(ALS2):c.1819A>G (p.Ser607Gly)

Gene: ALS2 (alsin Rho guanine nucleotide exchange factor ALS2; minus strand). Cytogenetic location: 2q33.1.
Variant type: single nucleotide variant.
Coding change: c.1819A>G on transcript NM_020919.4 (MANE Select); coding-DNA position 1819, A replaced by G.
Protein change: p.Ser607Gly; replaces serine 607 with glycine.
Molecular consequence: missense variant.
Genome position (GRCh38, 1-based): chr2:201,746,745, T>C on the plus strand (A>G on the coding strand, the complement: ALS2 is on the minus strand). VCF-style: chr2-201746745-T-C. GRCh37 (hg19) VCF-style: chr2-202611468-T-C.
Other names: c.1819A>G, p.Ser607Gly (NM_001410975.1); short protein forms S607G.
Identifiers: ClinVar variation 2812833 (VCV002812833.3), dbSNP rs2469862678, ClinGen allele CA350325674.